The following is an entry in ClinVar:

ClinVar aggregate classification (germline): Benign/Likely benign. Review status: criteria provided, multiple submitters, no conflicts (2 of 4 stars). 3 submissions from 3 submitters: Benign (1); Likely benign (2). Last evaluated 2026-07-15.

Conditions:
Hereditary cancer-predisposing syndrome. Also called: Tumor predisposition; Neoplastic Syndromes, Hereditary; Hereditary Cancer Syndrome; Hereditary neoplastic syndrome. Identifiers: Orphanet 140162, MedGen C0027672, MeSH D009386, MONDO:0015356.
Rhabdoid tumor predisposition syndrome 2 (RTPS2). Identifiers: Orphanet 231108, Orphanet 69077, MedGen C2750074, MONDO:0013224, OMIM 613325.

Allele frequency attached by ClinVar (database versions not stated): TOPMed 0.00001; gnomAD exomes 0.00001.

Submissions (3):

Myriad Genetics, Inc.
Classification: Benign for Rhabdoid tumor predisposition syndrome 2. Last evaluated: 2026-07-15. Review status: criteria provided, single submitter. Criteria: Myriad Autosomal Dominant, Autosomal Recessive and X-Linked Classification Criteria (2023). Collection method: clinical testing. Allele origin: unknown.
Comment: This variant is considered benign. This variant is a silent/synonymous amino acid change and it is not expected to impact splicing.

Labcorp Genetics (formerly Invitae), Labcorp
Classification: Likely benign for Rhabdoid tumor predisposition syndrome 2. Last evaluated: 2026-02-02. Review status: criteria provided, single submitter. Criteria: Invitae Variant Classification Sherloc (09022015). Collection method: clinical testing. Allele origin: germline.

Ambry Genetics
Classification: Likely benign for Hereditary cancer-predisposing syndrome. Last evaluated: 2016-09-30. Review status: criteria provided, single submitter. Criteria: Ambry Variant Classification Scheme 2023. Collection method: clinical testing. Allele origin: germline.

NM_003072.5(SMARCA4):c.3594G>A (p.Glu1198=)

Gene: SMARCA4 (SWI/SNF related BAF chromatin remodeling complex subunit ATPase 4; plus strand). Cytogenetic location: 19p13.2.
Variant type: single nucleotide variant.
Coding change: c.3594G>A on transcript NM_003072.5 (MANE Select); coding-DNA position 3594, G replaced by A.
Protein change: p.Glu1198=; no amino-acid change (glutamic acid 1198 retained).
Molecular consequence: synonymous variant. On other transcripts: non-coding transcript variant (1).
Genome position (GRCh38, 1-based): chr19:11,033,337, G>A. VCF-style: chr19-11033337-G-A. GRCh37 (hg19) VCF-style: chr19-11144013-G-A.
Other names: c.3594G>A, p.Glu1198= (NM_001128844.3, NM_001128845.2, NM_001128846.2 and 5 more transcripts).
Identifiers: ClinVar variation 470363 (VCV000470363.17), dbSNP rs913401320, ClinGen allele CA305290431.